The following is an entry in ClinVar:

NM_001297.5(CNGB1):c.1917G>A (p.Trp639Ter)

Gene: CNGB1 (cyclic nucleotide gated channel subunit beta 1; minus strand). Cytogenetic location: 16q21.
Variant type: single nucleotide variant.
Coding change: c.1917G>A on transcript NM_001297.5 (MANE Select); coding-DNA position 1917, G replaced by A.
Protein change: p.Trp639Ter; replaces tryptophan 639 with a stop codon.
Molecular consequence: nonsense.
Genome position (GRCh38, 1-based): chr16:57,919,139, C>T on the plus strand (G>A on the coding strand, the complement: CNGB1 is on the minus strand). VCF-style: chr16-57919139-C-T. GRCh37 (hg19) VCF-style: chr16-57953043-C-T.
Other names: c.1899G>A, p.Trp633Ter (NM_001286130.2); short protein forms W633*, W639*.
Identifiers: ClinVar variation 4710270 (VCV004710270.3).
Genomic context (GRCh38, chr16:57,919,139, plus strand): 5'-ACCCATTCCCCAGGACTCACTGGTCAGCGGGTCAATGCTCTGGGGAAACTGGTACTTCTT[C>T]CAGGGGCGGTGTTTGAACTTGCAGCAGAGCATGTCGCAATAGTGCTCCTCTTCCACTGGC-3'

ClinVar aggregate classification (germline): Pathogenic. Review status: criteria provided, multiple submitters, no conflicts (2 of 4 stars). 2 submissions from 2 submitters: Pathogenic (2). Last evaluated 2025-09-30.

Conditions:
Retinitis pigmentosa 45 (RP45). Identifiers: Orphanet 791, MedGen C3151066, MONDO:0013413, OMIM 613767.

gnomAD v4.1: 3 of 1,614,190 alleles (0.00019%); highest among the groups gnomAD compares: East Asian, 0.0045%; no homozygotes.

Submissions (2):

Labcorp Genetics (formerly Invitae), Labcorp
Classification: Pathogenic. Last evaluated: 2025-09-30. Review status: criteria provided, single submitter. Criteria: Invitae Variant Classification Sherloc (09022015). Collection method: clinical testing. Allele origin: germline.
Comment: This sequence change creates a premature translational stop signal (p.Trp639*) in the CNGB1 gene. It is expected to result in an absent or disrupted protein product. Loss-of-function variants in CNGB1 are known to be pathogenic (PMID: 15557452, 24043777). This variant is present in population databases (rs183443649, gnomAD 0.006%). This premature translational stop signal has been observed in individual(s) with retinitis pigmentosa (PMID: 29179439). In at least one individual the data is consistent with being in trans (on the opposite chromosome) from a pathogenic variant. For these reasons, this variant has been classified as Pathogenic.

Juno Genomics, Hangzhou Juno Genomics, Inc
Classification: Pathogenic for Retinitis pigmentosa 45. Review status: criteria provided, single submitter. Criteria: ACMG Guidelines, 2015. Collection method: clinical testing. Allele origin: germline.
Comment: Absent from controls (or at extremely low frequency if recessive) in Genome Aggregation Database.;Null variant in a gene where loss of function (LOF) is a known mechanism of disease.;For recessive disorders, detected in trans with a pathogenic variant.

Literature cited by the submitters: PubMed 15557452 (cited by Labcorp Genetics (formerly Invitae), Labcorp); PubMed 24043777 (cited by Labcorp Genetics (formerly Invitae), Labcorp); PubMed 29179439 (cited by Labcorp Genetics (formerly Invitae), Labcorp).